The following is an entry in ClinVar:

NM_002109.6(HARS1):c.882G>A (p.Gln294=)

Gene: HARS1 (histidyl-tRNA synthetase 1; minus strand). Cytogenetic location: 5q31.3.
Variant type: single nucleotide variant.
Coding change: c.882G>A on transcript NM_002109.6 (MANE Select); coding-DNA position 882, G replaced by A.
Protein change: p.Gln294=; no amino-acid change (glutamine 294 retained).
Molecular consequence: synonymous variant.
Genome position (GRCh38, 1-based): chr5:140,677,058, C>T on the plus strand (G>A on the coding strand, the complement: HARS1 is on the minus strand). VCF-style: chr5-140677058-C-T. GRCh37 (hg19) VCF-style: chr5-140056643-C-T.
Other names: c.762G>A, p.Gln254= (NM_001258040.3); c.822G>A, p.Gln274= (NM_001258041.3); c.702G>A, p.Gln234= (NM_001258042.3); c.660G>A, p.Gln220= (NM_001289092.2); c.540G>A, p.Gln180= (NM_001289093.2); c.795G>A, p.Gln265= (NM_001289094.2).
Identifiers: ClinVar variation 1157408 (VCV001157408.10), dbSNP rs1758417684, ClinGen allele CA446640306.
Genomic context (GRCh38, chr5:140,677,058, plus strand): 5'-AATGCCAAATAGGGTCAGGTACTCAAAGAGCAACTTCAGGTCTCCCAGGCCCTCCAAGGC[C>T]TGCTTGTTTTGGGATAGTTTAGGATCCTGGAGCAGCTGTTCCACCAGGGATACCCCACCT-3'
Protein context (NP_002100.2, residues 284-304): LQDPKLSQNK[Gln294=]ALEGLGDLKL

ClinVar aggregate classification (germline): Likely benign. Review status: criteria provided, multiple submitters, no conflicts (2 of 4 stars). 2 submissions from 2 submitters: Likely benign (2). Last evaluated 2024-04-03.

Conditions:
Usher syndrome type 3B. Also called: USHER SYNDROME, TYPE IIIB. Identifiers: MedGen C3281066, MONDO:0013788, OMIM 614504.

Allele frequency attached by ClinVar (database versions not stated): TOPMed 0.00001.

Submissions (2):

Women's Health and Genetics/Laboratory Corporation of America, LabCorp
Classification: Likely benign. Last evaluated: 2024-04-03. Review status: criteria provided, single submitter. Criteria: LabCorp Variant Classification Summary - May 2015. Collection method: clinical testing. Allele origin: germline.
Comment: Variant summary: HARS1 c.882G>A alters a conserved nucleotide resulting in a synonymous change. Consensus agreement among computation tools predict no significant impact on normal splicing. However, these predictions have yet to be confirmed by functional studies. The variant was absent in 251222 control chromosomes. The available data on variant occurrences in the general population are insufficient to allow any conclusion about variant significance. To our knowledge, no occurrence of c.882G>A in individuals affected with HARS1-relatecd conditions and no experimental evidence demonstrating its impact on protein function have been reported. ClinVar contains an entry for this variant (Variation ID: 1157408). Based on the evidence outlined above, the variant was classified as likely benign.

Labcorp Genetics (formerly Invitae), Labcorp
Classification: Likely benign for Usher syndrome type 3B. Last evaluated: 2021-05-06. Review status: criteria provided, single submitter. Criteria: Invitae Variant Classification Sherloc (09022015). Collection method: clinical testing. Allele origin: germline.